The following is an entry in ClinVar:

NM_003482.4(KMT2D):c.14643+3A>G

Gene: KMT2D (lysine methyltransferase 2D; minus strand). Cytogenetic location: 12q13.12.
Variant type: single nucleotide variant.
Coding change: c.14643+3A>G on transcript NM_003482.4 (MANE Select); 3 bases into the intron after coding-DNA position 14643, A replaced by G.
Molecular consequence: intron variant.
Genome position (GRCh38, 1-based): chr12:49,027,800, T>C on the plus strand (A>G on the coding strand, the complement: KMT2D is on the minus strand). VCF-style: chr12-49027800-T-C. GRCh37 (hg19) VCF-style: chr12-49421583-T-C.
Identifiers: ClinVar variation 2194982 (VCV002194982.4), dbSNP rs374232950, ClinGen allele CA2580085730.

ClinVar aggregate classification (germline): Uncertain significance (1 of 4 stars; one submission).

Conditions:
Kabuki syndrome. Also called: Kabuki make-up syndrome; NIIKAWA-KUROKI SYNDROME. Identifiers: Orphanet 2322, MedGen C0796004, MONDO:0016512.

gnomAD v4.1: 1 of 1,560,378 alleles (0.000064%); highest among the groups gnomAD compares: Non-Finnish European, 0.000087%; no homozygotes.

Submission:

Labcorp Genetics (formerly Invitae), Labcorp
Classification: Uncertain significance for Kabuki syndrome. Last evaluated: 2025-04-14. Review status: criteria provided, single submitter. Criteria: Invitae Variant Classification Sherloc (09022015). Collection method: clinical testing. Allele origin: germline.
Comment: This sequence change falls in intron 47 of the KMT2D gene. It does not directly change the encoded amino acid sequence of the KMT2D protein. It affects a nucleotide within the consensus splice site. This variant is not present in population databases (gnomAD no frequency). This variant has not been reported in the literature in individuals affected with KMT2D-related conditions. ClinVar contains an entry for this variant (Variation ID: 2194982). Variants that disrupt the consensus splice site are a relatively common cause of aberrant splicing (PMID: 17576681, 9536098). Algorithms developed to predict the effect of sequence changes on RNA splicing suggest that this variant is not likely to affect RNA splicing. In summary, the available evidence is currently insufficient to determine the role of this variant in disease. Therefore, it has been classified as a Variant of Uncertain Significance.

Literature cited by the submitters: PubMed 17576681; PubMed 9536098.